The following is an entry in ClinVar:

NM_012310.5(KIF4A):c.1151A>G (p.Asn384Ser)

Gene: KIF4A (kinesin family member 4A; plus strand). Cytogenetic location: Xq13.1.
Variant type: single nucleotide variant.
Coding change: c.1151A>G on transcript NM_012310.5 (MANE Select); coding-DNA position 1151, A replaced by G.
Protein change: p.Asn384Ser; replaces asparagine 384 with serine.
Molecular consequence: missense variant.
Genome position (GRCh38, 1-based): chrX:70,341,816, A>G. VCF-style: chrX-70341816-A-G. GRCh37 (hg19) VCF-style: chrX-69561666-A-G.
Other names: short protein forms N384S.
Identifiers: ClinVar variation 2238441 (VCV002238441.3), dbSNP rs1023260839, ClinGen allele CA330974573.

ClinVar aggregate classification (germline): Uncertain significance. Review status: criteria provided, multiple submitters, no conflicts (2 of 4 stars). 2 submissions from 2 submitters: Uncertain significance (2). Last evaluated 2023-07-28.

Allele frequency attached by ClinVar (database versions not stated): TOPMed 0.00003.

Submissions (2):

Greenwood Genetic Center Diagnostic Laboratories, Greenwood Genetic Center
Classification: Uncertain significance. Last evaluated: 2023-07-28. Review status: criteria provided, single submitter. Criteria: ACMG Guidelines, 2015. Collection method: clinical testing. Allele origin: germline. Affected: yes.
Comment: PM2

Ambry Genetics
Classification: Uncertain significance. Last evaluated: 2021-07-20. Review status: criteria provided, single submitter. Criteria: Ambry Variant Classification Scheme 2023. Collection method: clinical testing. Allele origin: germline.